The following is an entry in ClinVar:

ClinVar aggregate classification (germline): Pathogenic/Likely pathogenic. Review status: criteria provided, multiple submitters, no conflicts (2 of 4 stars). 2 submissions from 2 submitters: Pathogenic (1); Likely pathogenic (1). Last evaluated 2024-03-30.

Conditions:
Acute infantile liver failure due to synthesis defect of mtDNA-encoded proteins. Also called: LIVER FAILURE, INFANTILE, TRANSIENT; Liver failure acute infantile; TRMU Deficiency. Identifiers: Orphanet 217371, MedGen C3278664, MONDO:0013111, OMIM 613070.
Aminoglycoside-induced deafness. Also called: MT-RNR1-Related Hearing Loss and Deafness; STREPTOMYCIN OTOTOXICITY; DEAFNESS, STREPTOMYCIN-INDUCED. Identifiers: Orphanet 168609, MedGen C1838854, MONDO:0010799, OMIM 580000.

Submissions (2):

Myriad Genetics, Inc.
Classification: Pathogenic for Acute infantile liver failure due to synthesis defect of mtDNA-encoded proteins. Last evaluated: 2024-03-30. Review status: criteria provided, single submitter. Criteria: Myriad Autosomal Dominant, Autosomal Recessive and X-Linked Classification Criteria (2023). Collection method: clinical testing. Allele origin: unknown.
Comment: NM_018006.4(TRMU):c.219C>A(Y73*) is expected to be pathogenic in the context of acute liver failure, TRMU-related. This variant is predicted to lead to an abnormal or absent protein product due to the creation of a premature termination codon in TRMU, a gene where loss-of-function variants are known to be pathogenic. Please note: this variant was assessed in the context of healthy population screening.

Fulgent Genetics
Classification: Likely pathogenic for Aminoglycoside-induced deafness; Acute infantile liver failure due to synthesis defect of mtDNA-encoded proteins. Last evaluated: 2024-03-21. Review status: criteria provided, single submitter. Criteria: ACMG Guidelines, 2015. Collection method: clinical testing. Allele origin: germline.

NM_018006.5(TRMU):c.219C>A (p.Tyr73Ter)

Gene: TRMU (tRNA mitochondrial 2-thiouridylase; plus strand). Cytogenetic location: 22q13.31.
Variant type: single nucleotide variant.
Coding change: c.219C>A on transcript NM_018006.5 (MANE Select); coding-DNA position 219, C replaced by A.
Protein change: p.Tyr73Ter; replaces tyrosine 73 with a stop codon.
Molecular consequence: nonsense. On other transcripts: 5 prime UTR variant (3), non-coding transcript variant (2).
Genome position (GRCh38, 1-based): chr22:46,337,915, C>A. VCF-style: chr22-46337915-C-A. GRCh37 (hg19) VCF-style: chr22-46733812-C-A.
Other names: c.-17C>A (NM_001282782.2); c.-36C>A (NM_001282783.2, NM_001282784.2); c.219C>A, p.Tyr73Ter (NM_001282785.2); short protein forms Y73*.
Identifiers: ClinVar variation 3588104 (VCV003588104.2).
Genomic context (GRCh38, chr22:46,337,915, plus strand): 5'-CTGTGAAGATGCTTACAGAGTTTGCCAGATCTTAGACATCCCTTTCCATCAAGTGTCCTA[C>A]GTAAAGGAGTATTGGAATGATGTGTTCAGGTGAGTGCGGGTCACAGCACAAAGGAAGCTT-3'